The following is an entry in ClinVar:

NM_022455.5(NSD1):c.4330_4354dup (p.Ser1452delinsTrpHisAsnTer)

Gene: NSD1 (nuclear receptor binding SET domain protein 1; plus strand). Cytogenetic location: 5q35.3.
Variant type: Duplication.
Coding change: c.4330_4354dup on transcript NM_022455.5 (MANE Select); coding-DNA positions 4330 to 4354, 25 bases duplicated (GGCATAACTGAATCTTGTGCCACAT).
Protein change: p.Ser1452delinsTrpHisAsnTer.
Molecular consequence: nonsense.
Genome position (GRCh38, 1-based): chr5:177,244,222-177,244,246, GGCATAACTGAATCTTGTGCCACAT duplicated; duplicating any 25 consecutive bases within chr5:177,244,220-177,244,246 gives the same sequence; the c. name uses the placement nearest the transcript's 3' end. VCF-style (leftmost placement, unchanged base first): chr5-177244219-A-AATGGCATAACTGAATCTTGTGCCAC. GRCh37 (hg19) VCF-style: chr5-176671220-A-AATGGCATAACTGAATCTTGTGCCAC.
Other names: c.3457_3481dup, p.Ser1161delinsTrpHisAsnTer (NM_001365684.2, NM_001409306.1, NM_001409307.1 and 3 more transcripts); c.4330_4354dup, p.Ser1452delinsTrpHisAsnTer (NM_001409301.1, NM_001409302.1, NM_001409303.1); c.3910_3934dup, p.Ser1312delinsTrpHisAsnTer (NM_001409304.1); c.3577_3601dup, p.Ser1201delinsTrpHisAsnTer (NM_001409305.1).
Identifiers: ClinVar variation 3630114 (VCV003630114.2).

ClinVar aggregate classification (germline): Pathogenic (1 of 4 stars; one submission).

Submission:

Labcorp Genetics (formerly Invitae), Labcorp
Classification: Pathogenic. Last evaluated: 2023-10-22. Review status: criteria provided, single submitter. Criteria: Invitae Variant Classification Sherloc (09022015). Collection method: clinical testing. Allele origin: germline.
Comment: This sequence change creates a premature translational stop signal (p.Ser1452Trpfs*4) in the NSD1 gene. It is expected to result in an absent or disrupted protein product. Loss-of-function variants in NSD1 are known to be pathogenic (PMID: 12464997, 14571271, 15942875, 16247291). This variant is not present in population databases (gnomAD no frequency). This variant has not been reported in the literature in individuals affected with NSD1-related conditions. For these reasons, this variant has been classified as Pathogenic.

Literature cited by the submitters: PubMed 12464997; PubMed 14571271; PubMed 15942875; PubMed 16247291.